The following is an entry in ClinVar:

NM_001035.3(RYR2):c.6927T>C (p.Asn2309=)

Gene: RYR2 (ryanodine receptor 2; plus strand). Cytogenetic location: 1q43.
Variant type: single nucleotide variant.
Coding change: c.6927T>C on transcript NM_001035.3 (MANE Select); coding-DNA position 6927, T replaced by C.
Protein change: p.Asn2309=; no amino-acid change (asparagine 2309 retained).
Molecular consequence: synonymous variant.
Genome position (GRCh38, 1-based): chr1:237,638,491, T>C. VCF-style: chr1-237638491-T-C. GRCh37 (hg19) VCF-style: chr1-237801791-T-C.
Identifiers: ClinVar variation 2763044 (VCV002763044.3), dbSNP rs2546959769, ClinGen allele CA423818970.

ClinVar aggregate classification (germline): Uncertain significance (1 of 4 stars; one submission).

Conditions:
Catecholaminergic polymorphic ventricular tachycardia 1. Also called: RYR2-Related Catecholaminergic Polymorphic Ventricular Tachycardia; VENTRICULAR TACHYCARDIA, STRESS-INDUCED POLYMORPHIC 1; VENTRICULAR TACHYCARDIA, CATECHOLAMINERGIC POLYMORPHIC, 1, WITH OR WITHOUT ATRIAL DYSFUNCTION AND/OR DILATED CARDIOMYOPATHY. Identifiers: Orphanet 3286, MedGen C1631597, MONDO:0011484, OMIM 604772.

Submission:

Labcorp Genetics (formerly Invitae), Labcorp
Classification: Uncertain significance for Catecholaminergic polymorphic ventricular tachycardia 1. Last evaluated: 2023-10-06. Review status: criteria provided, single submitter. Criteria: Invitae Variant Classification Sherloc (09022015). Collection method: clinical testing. Allele origin: germline.
Comment: This sequence change affects codon 2309 of the RYR2 mRNA. It is a 'silent' change, meaning that it does not change the encoded amino acid sequence of the RYR2 protein. It affects a nucleotide within the consensus splice site. This variant is not present in population databases (gnomAD no frequency). This variant has not been reported in the literature in individuals affected with RYR2-related conditions. Algorithms developed to predict the effect of sequence changes on RNA splicing suggest that this variant is not likely to affect RNA splicing. In summary, the available evidence is currently insufficient to determine the role of this variant in disease. Therefore, it has been classified as a Variant of Uncertain Significance.